The following is an entry in ClinVar:

NM_006502.3(POLH):c.533_534del (p.Leu178fs)

Gene: POLH (DNA polymerase eta; plus strand). Cytogenetic location: 6p21.1.
Variant type: Deletion.
Coding change: c.533_534del on transcript NM_006502.3 (MANE Select); coding-DNA positions 533 to 534, 2 bases deleted (TT; older notation c.533_534delTT).
Protein change: p.Leu178fs; shifts the reading frame from leucine 178.
Molecular consequence: frameshift variant.
Genome position (GRCh38, 1-based): chr6:43,597,738-43,597,739, TT deleted. VCF-style (leftmost placement, unchanged base first): chr6-43597737-CTT-C. GRCh37 (hg19) VCF-style: chr6-43565474-CTT-C.
Other names: c.161_162del, p.Leu54fs (NM_001291969.2); c.533_534del, p.Leu178fs (NM_001291970.2); short protein forms L178fs, L54fs.
Identifiers: ClinVar variation 3593649 (VCV003593649.3).

ClinVar aggregate classification (germline): Likely pathogenic. Review status: criteria provided, multiple submitters, no conflicts (2 of 4 stars). 2 submissions from 2 submitters: Likely pathogenic (2). Last evaluated 2025-09-24.

Conditions:
Xeroderma pigmentosum variant type. Also called: PHOTOSENSITIVITY WITH DEFECTIVE DNA SYNTHESIS; XERODERMA PIGMENTOSUM WITH NORMAL DNA REPAIR RATES; POLH-Related Xeroderma Pigmentosum. Identifiers: Orphanet 90342, MedGen C1848410, MONDO:0010214, OMIM 278750.

Submissions (2):

Dasa
Classification: Likely pathogenic. Last evaluated: 2025-09-24. Review status: criteria provided, single submitter. Criteria: DASA Assertion Criteria. Collection method: clinical testing. Allele origin: germline.
Comment: NM_006502.3(POLH):c.533_534del (p.Leu178Profs*3) is a frameshift variant in POLH predicted to alter the reading frame and introduce a premature termination codon and is predicted to result in an absent or altered protein product. Loss of function is an established disease mechanism for POLH-associated disorders. Also, this variant is rare in population databases. Based on the currently available evidence, this variant is classified as likely pathogenic.

Fulgent Genetics
Classification: Likely pathogenic for Xeroderma pigmentosum variant type. Last evaluated: 2024-02-10. Review status: criteria provided, single submitter. Criteria: ACMG Guidelines, 2015. Collection method: clinical testing. Allele origin: germline.